The following is an entry in ClinVar:

NM_000070.3(CAPN3):c.223dup (p.Tyr75fs)

Gene: CAPN3 (calpain 3; plus strand). Cytogenetic location: 15q15.1.
Variant type: Duplication.
Coding change: c.223dup on transcript NM_000070.3 (MANE Select); coding-DNA position 223, one base duplicated (T; older notation c.223dupT).
Protein change: p.Tyr75fs; shifts the reading frame from tyrosine 75.
Molecular consequence: frameshift variant.
Genome position (GRCh38, 1-based): chr15:42,360,028, T duplicated; the last of 3 consecutive T bases (chr15:42,360,026-42,360,028); duplicating any one gives the same sequence. VCF-style (leftmost placement, unchanged base first): chr15-42360025-C-CT. GRCh37 (hg19) VCF-style: chr15-42652223-C-CT.
Other names: NM_000070.2(CAPN3):c.223dup; c.223dupT (NM_000070.3); c.223dup, p.Tyr75fs (NM_024344.2, NM_173087.2); short protein forms Y75fs.
Identifiers: ClinVar variation 92411 (VCV000092411.21), dbSNP rs398123146, ClinGen allele CA220346.

ClinVar aggregate classification (germline): Pathogenic. Review status: reviewed by expert panel (3 of 4 stars). 9 submissions from 9 submitters: Pathogenic (1). 8 of the submissions do not count toward it. Last evaluated 2025-01-07.

Conditions:
Autosomal recessive limb-girdle muscular dystrophy type 2A (LGMDR1). Also called: Calpainopathy; LEYDEN-MOEBIUS MUSCULAR DYSTROPHY; MUSCULAR DYSTROPHY, PELVOFEMORAL; Limb-girdle muscular dystrophy, type 2A; Muscular dystrophy, limb-girdle, type 2A, Amish. Identifiers: Orphanet 267, MedGen C1869123, MONDO:0009675, OMIM 253600. Disease mechanism: loss of function.
Muscular dystrophy, limb-girdle, autosomal dominant 4. Also called: Calpain-3-related limb-girdle muscular dystrophy D4; MUSCULAR DYSTROPHY, LIMB-GIRDLE, TYPE 1I. Identifiers: Orphanet 565909, MedGen C4748295, MONDO:0029133, OMIM 618129.
CAPN3-related disorder. Also called: CAPN3-related disorders; CAPN3-related condition. Identifiers: MedGen CN239245.
Autosomal recessive limb-girdle muscular dystrophy. Identifiers: Orphanet 102015, MedGen C2931907, MONDO:0015152.

Submissions (9):

ClinGen Limb Girdle Muscular Dystrophy Variant Curation Expert Panel, ClinGen
Classification: Pathogenic for Autosomal recessive limb-girdle muscular dystrophy. Last evaluated: 2025-01-07. Review status: reviewed by expert panel. Criteria: ClinGen LGMD VCEP ACMG Specifications CAPN3 V1.0.0. Collection method: curation. Allele origin: germline. Inheritance: Autosomal recessive inheritance.
Comment: The NM_000070.3: c.223dup p.(Tyr75LeufsTer5) variant in CAPN3 is a frameshift variant predicted to cause a premature stop codon in biologically relevant exon 1/24, leading to nonsense mediated decay in a gene in which loss of function is an established disease mechanism (PVS1). This variant has been detected in at least four individuals with LGMD (PMID: 27854218, 30564623; LOVD CAPN3_000537). In at least one case, the variant was identified in unknown phase with a pathogenic variant (c.2362_2363delinsTCATCT p.(Arg788fsTer14), 0.5 pts, LOVD Individual #00220184) (PM3_Supporting), and at least one patient with this variant displayed progressive limb girdle muscle weakness (PP4). This variant is absent from gnomAD v2.1.1 and v3.1.2 (PM2_Supporting). In summary, this variant meets the criteria to be classified as Pathogenic for autosomal recessive limb girdle muscular dystrophy based on the ACMG/AMP criteria applied, as specified by the ClinGen LGMD VCEP (LGMD VCEP specifications version 1.0.0; 01/07/2025): PVS1, PM3_Supporting, PP4, PM2_Supporting.

Natera, Inc.
Classification: Pathogenic for Limb-girdle muscular dystrophy type 2A. Last evaluated: 2025-12-10. Review status: criteria provided, single submitter. Criteria: Natera Variant Classification Schema (03/2026). Collection method: clinical testing. Allele origin: germline. Not counted in ClinVar's aggregate classification.
Comment: The c.223dupT variant in CAPN3 is a frameshift variant predicted to shift the reading frame beginning at codon 75 and leads to a stop codon 5 codons downstream. This variant is expected to result in nonsense mediated decay, truncation, or a dysfunctional protein product. This variant is rare in the general population with a frequency below the threshold expected for the associated phenotype(s). This variant has been observed in one or more individuals affected with the associated recessive disease, as either homozygous or compound heterozygous with a second variant (PMID: 27854218, 19556129). Given the available evidence, this variant is classified as Pathogenic.

Labcorp Genetics (formerly Invitae), Labcorp
Classification: Pathogenic for Autosomal recessive limb-girdle muscular dystrophy type 2A. Last evaluated: 2025-02-09. Review status: criteria provided, single submitter. Criteria: Invitae Variant Classification Sherloc (09022015). Collection method: clinical testing. Allele origin: germline. Not counted in ClinVar's aggregate classification.
Comment: This sequence change creates a premature translational stop signal (p.Tyr75Leufs*5) in the CAPN3 gene. It is expected to result in an absent or disrupted protein product. Loss-of-function variants in CAPN3 are known to be pathogenic (PMID: 10330340, 15689361). This variant is not present in population databases (gnomAD no frequency). This premature translational stop signal has been observed in individual(s) with autosomal recessive limb-girdle muscular dystrophy (LGMD) (PMID: 27854218). ClinVar contains an entry for this variant (Variation ID: 92411). For these reasons, this variant has been classified as Pathogenic.

Women's Health and Genetics/Laboratory Corporation of America, LabCorp
Classification: Pathogenic for Autosomal recessive limb-girdle muscular dystrophy. Last evaluated: 2024-10-08. Review status: criteria provided, single submitter. Criteria: LabCorp Variant Classification Summary - May 2015. Collection method: clinical testing. Allele origin: germline. Not counted in ClinVar's aggregate classification.
Comment: Variant summary: CAPN3 c.223dupT (p.Tyr75LeufsX5) results in a premature termination codon, predicted to cause a truncation of the encoded protein or absence of the protein due to nonsense mediated decay, which are commonly known mechanisms for disease. The variant was absent in 249924 control chromosomes (gnomAD). c.223dupT has been reported in the literature in at least an individual affected with Limb-Girdle Muscular Dystrophy, Autosomal Recessive (Punetha_2016). The following publication have been ascertained in the context of this evaluation (PMID: 27854218). ClinVar contains an entry for this variant (Variation ID: 92411). Based on the evidence outlined above, the variant was classified as pathogenic.

Revvity Omics, Revvity
Classification: Pathogenic. Last evaluated: 2024-07-15. Review status: criteria provided, single submitter. Criteria: ACMG Guidelines, 2015. Collection method: clinical testing. Allele origin: germline. Not counted in ClinVar's aggregate classification.

GeneDx
Classification: Pathogenic. Last evaluated: 2023-11-22. Review status: criteria provided, single submitter. Criteria: GeneDx Variant Classification Process June 2021. Collection method: clinical testing. Allele origin: germline. Affected: yes. Not counted in ClinVar's aggregate classification.
Comment: Frameshift variant predicted to result in protein truncation or nonsense mediated decay in a gene for which loss of function is a known mechanism of disease; Not observed at significant frequency in large population cohorts (gnomAD); This variant is associated with the following publications: (PMID: 27854218, 15689361, 10330340, 19556129, 31589614, Schiava2022[casereport], 31931849, 30564623)

Baylor Genetics
Classification: Pathogenic for Muscular dystrophy, limb-girdle, autosomal dominant 4. Last evaluated: 2023-07-21. Review status: criteria provided, single submitter. Criteria: ACMG Guidelines, 2015. Collection method: clinical testing. Allele origin: unknown. Not counted in ClinVar's aggregate classification.

Blueprint Genetics
Classification: Pathogenic for CAPN3-related disorders. Last evaluated: 2021-03-08. Review status: criteria provided, single submitter. Criteria: ACMG Guidelines, 2015. Collection method: clinical testing. Allele origin: germline. Affected: yes. Observed: 2 variant alleles. Not counted in ClinVar's aggregate classification.

Eurofins Ntd Llc (ga)
Classification: Pathogenic. Last evaluated: 2015-12-01. Review status: criteria provided, single submitter. Criteria: EGL Classification Definitions. Collection method: clinical testing. Allele origin: germline. Observed: 4 variant alleles, 3 heterozygotes. Not counted in ClinVar's aggregate classification.

Literature cited by the submitters: PubMed 27854218 (cited by 3 submitters); PubMed 19556129 (cited by Natera, Inc.); PubMed 10330340 (cited by Labcorp Genetics (formerly Invitae), Labcorp); PubMed 15689361 (cited by Labcorp Genetics (formerly Invitae), Labcorp); PubMed 23757202 (cited by Eurofins Ntd Llc (ga)).